The following is an entry in ClinVar:

NM_007363.5(NONO):c.1131G>A (p.Ala377=)

Gene: NONO (non-POU domain containing octamer binding; plus strand). Cytogenetic location: Xq13.1.
Variant type: single nucleotide variant.
Coding change: c.1131G>A on transcript NM_007363.5 (MANE Select); coding-DNA position 1131, G replaced by A.
Protein change: p.Ala377=; no amino-acid change (alanine 377 retained).
Molecular consequence: synonymous variant.
Genome position (GRCh38, 1-based): chrX:71,297,938, G>A. VCF-style: chrX-71297938-G-A. GRCh37 (hg19) VCF-style: chrX-70517788-G-A.
Other names: 1131G-A; c.1131G>A, p.Ala377= (NM_001145408.2, NM_001145409.2); c.864G>A, p.Ala288= (NM_001145410.2).
Identifiers: ClinVar variation 222081 (VCV000222081.9), dbSNP rs869025343, ClinGen allele CA351661.

ClinVar aggregate classification (germline): Pathogenic. Review status: criteria provided, multiple submitters, no conflicts (2 of 4 stars). 4 submissions from 4 submitters: Pathogenic (3). 1 of the submissions does not count toward it. Last evaluated 2024-05-03.

Conditions:
Intellectual developmental disorder, X-linked, syndromic 34. Also called: Syndromic X-linked intellectual disability 34; MENTAL RETARDATION, X-LINKED, SYNDROMIC, MIRCSOF-LANGOUET TYPE. Identifiers: Orphanet 466791, MedGen C4225417, MONDO:0010501, OMIM 300967.
Inborn genetic diseases. Identifiers: MedGen C0950123, MeSH D030342.

Submissions (4):

GeneDx
Classification: Pathogenic. Last evaluated: 2024-05-03. Review status: criteria provided, single submitter. Criteria: GeneDx Variant Classification Process June 2021. Collection method: clinical testing. Allele origin: germline. Affected: yes.
Comment: Alters the last nucleotide of the exon and is predicted to destroy the splice donor site and result in aberrant splicing, although in the absence of functional evidence the actual effect of this sequence change is unknown; Not observed at significant frequency in large population cohorts (gnomAD); This variant is associated with the following publications: (PMID: 27329731, 26571461, 33304389, 27550220, 38469091, 35016743, 36426740, 31883306)

HudsonAlpha Institute for Biotechnology
Classification: Pathogenic for Intellectual developmental disorder, X-linked, syndromic 34. Last evaluated: 2022-05-06. Review status: criteria provided, single submitter. Criteria: ACMG Guidelines, 2015. Collection method: research. Allele origin: de novo. Affected: yes. Observed: 1 variant allele. Study: HudsonAlpha-AGHI-WGS.
Comment: ACMG codes: PVS1, PS3, PM2

Ambry Genetics
Classification: Pathogenic for Inborn genetic diseases. Last evaluated: 2018-11-01. Review status: criteria provided, single submitter. Criteria: Ambry exome assertion method (8-5-2015). Collection method: clinical testing. Allele origin: germline. Affected: yes. Observed: 1 variant allele.

OMIM
Classification: Pathogenic for INTELLECTUAL DEVELOPMENTAL DISORDER, X-LINKED, SYNDROMIC 34. Last evaluated: 2021-08-20. Review status: no assertion criteria provided. Collection method: literature only. Allele origin: germline. Not counted in ClinVar's aggregate classification.

Literature cited by the submitters: PubMed 26571461 (cited by Ambry Genetics and OMIM).